The following is an entry in ClinVar:

NM_000284.4(PDHA1):c.*1377G>A

Genes: PDHA1 (pyruvate dehydrogenase E1 subunit alpha 1; plus strand), MAP3K15 (mitogen-activated protein kinase kinase kinase 15; minus strand). Cytogenetic location: Xp22.12.
Variant type: single nucleotide variant.
Coding change: c.*1377G>A on transcript NM_000284.4 (MANE Select); 1377 bases downstream of the stop codon, G replaced by A.
Molecular consequence: 3 prime UTR variant. On other transcripts: intron variant (1).
Genome position (GRCh38, 1-based): chrX:19,361,030, G>A. VCF-style: chrX-19361030-G-A. GRCh37 (hg19) VCF-style: chrX-19379148-G-A.
Other names: c.*1377G>A (NM_001173454.2, NM_001173455.2, NM_001173456.2); c.3858-197C>T (NM_001001671.4).
Identifiers: ClinVar variation 913015 (VCV000913015.5), dbSNP rs56039350, ClinGen allele CA327032869.

ClinVar aggregate classification (germline): Benign. Review status: criteria provided, multiple submitters, no conflicts (2 of 4 stars). 2 submissions from 2 submitters: Benign (2). Last evaluated 2018-01-13.

Conditions:
Pyruvate dehydrogenase E1-alpha deficiency (PDHAD). Also called: ATAXIA, INTERMITTENT, WITH PYRUVATE DEHYDROGENASE DEFICIENCY; ATAXIA WITH LACTIC ACIDOSIS I; ATAXIA, INTERMITTENT, WITH ABNORMAL PYRUVATE METABOLISM; Ataxia, intermittent, with pyruvate dehydrogenase, or decarboxylase, deficiency. Identifiers: Orphanet 79243, MedGen C1839413, MONDO:0010717, OMIM 312170.

Allele frequency attached by ClinVar (database versions not stated): gnomAD 0.19944 and 0.20892; TOPMed 0.22096; 1000 Genomes Project 0.22861; 1000 Genomes Project 30x 0.23538.
gnomAD v4.1: 43,551 of 420,027 alleles (10%); highest among the groups gnomAD compares: African/African-American, 59%; 5,723 homozygotes.

Submissions (2):

Illumina Laboratory Services, Illumina
Classification: Benign for Pyruvate dehydrogenase E1-alpha deficiency. Last evaluated: 2018-01-13. Review status: criteria provided, single submitter. Criteria: ICSL Variant Classification Criteria 13 December 2019. Collection method: clinical testing. Allele origin: germline.
Comment: This variant was observed in the ICSL laboratory as part of a predisposition screen in an ostensibly healthy population. It had not been previously curated by ICSL or reported in the Human Gene Mutation Database (HGMD: prior to June 1st, 2018), and was therefore a candidate for classification through an automated scoring system. Utilizing variant allele frequency, disease prevalence and penetrance estimates, and inheritance mode, an automated score was calculated to assess if this variant is too frequent to cause the disease. Based on the score and internal cut-off values, a variant classified as benign is not then subjected to further curation. The score for this variant resulted in a classification of benign for this disease.

Breakthrough Genomics
Classification: Benign. Review status: criteria provided, single submitter. Criteria: ACMG Guidelines, 2015. Collection method: not provided. Allele origin: germline. Inheritance: X-linked inheritance. Affected: yes.